The following is an entry in ClinVar:

NM_178229.5(IQGAP3):c.258C>T (p.Tyr86=)

Gene: IQGAP3 (IQ motif containing GTPase activating protein 3; minus strand). Cytogenetic location: 1q22.
Variant type: single nucleotide variant.
Coding change: c.258C>T on transcript NM_178229.5 (MANE Select); coding-DNA position 258, C replaced by T.
Protein change: p.Tyr86=; no amino-acid change (tyrosine 86 retained).
Molecular consequence: synonymous variant.
Genome position (GRCh38, 1-based): chr1:156,566,414, G>A on the plus strand (C>T on the coding strand, the complement: IQGAP3 is on the minus strand). VCF-style: chr1-156566414-G-A. GRCh37 (hg19) VCF-style: chr1-156536206-G-A.
Identifiers: ClinVar variation 3033398 (VCV003033398.2), dbSNP rs375965519, ClinGen allele CA1162053.

ClinVar aggregate classification (germline): Likely benign (0 of 4 stars; one submission).

Conditions:
IQGAP3-related disorder. Also called: IQGAP3-related condition.

Allele frequency attached by ClinVar (database versions not stated): ExAC 0.00004; gnomAD 0.00007; ESP Exome Variant Server 0.00008; TOPMed 0.00011.

Submission:

PreventionGenetics, part of Exact Sciences
Classification: Likely benign for IQGAP3-related condition. Last evaluated: 2019-06-11. Review status: no assertion criteria provided. Collection method: clinical testing. Allele origin: germline.
Comment: This variant is classified as likely benign based on ACMG/AMP sequence variant interpretation guidelines (Richards et al. 2015 PMID: 25741868, with internal and published modifications).